The following is an entry in ClinVar:

ClinVar aggregate classification (germline): Uncertain significance (1 of 4 stars; one submission).

Submission:

Labcorp Genetics (formerly Invitae), Labcorp
Classification: Uncertain significance. Last evaluated: 2022-06-27. Review status: criteria provided, single submitter. Criteria: Invitae Variant Classification Sherloc (09022015). Collection method: clinical testing. Allele origin: germline.
Comment: In summary, the available evidence is currently insufficient to determine the role of this variant in disease. Therefore, it has been classified as a Variant of Uncertain Significance. Advanced modeling of protein sequence and biophysical properties (such as structural, functional, and spatial information, amino acid conservation, physicochemical variation, residue mobility, and thermodynamic stability) performed at Invitae indicates that this missense variant is expected to disrupt GRM6 protein function. This variant has not been reported in the literature in individuals affected with GRM6-related conditions. This variant is not present in population databases (gnomAD no frequency). This sequence change replaces tyrosine, which is neutral and polar, with aspartic acid, which is acidic and polar, at codon 836 of the GRM6 protein (p.Tyr836Asp).

NM_000843.4(GRM6):c.2506T>G (p.Tyr836Asp)

Genes: GRM6 (glutamate metabotropic receptor 6; minus strand), ZNF454 (zinc finger protein 454; plus strand). Cytogenetic location: 5q35.3.
Variant type: single nucleotide variant.
Coding change: c.2506T>G on transcript NM_000843.4 (MANE Select); coding-DNA position 2506, T replaced by G.
Protein change: p.Tyr836Asp; replaces tyrosine 836 with aspartic acid.
Molecular consequence: missense variant.
Genome position (GRCh38, 1-based): chr5:178,981,785, A>C on the plus strand (T>G on the coding strand, the complement: GRM6 is on the minus strand). VCF-style: chr5-178981785-A-C. GRCh37 (hg19) VCF-style: chr5-178408786-A-C.
Other names: short protein forms Y836D.
Identifiers: ClinVar variation 1375389 (VCV001375389.6), dbSNP rs2113311035, ClinGen allele CA362423141.